The following is an entry in ClinVar:

ClinVar aggregate classification (germline): Pathogenic (1 of 4 stars; one submission).

Conditions:
Cardiovascular phenotype. Identifiers: MedGen CN230736.

Submission:

Ambry Genetics
Classification: Pathogenic for Cardiovascular phenotype. Last evaluated: 2023-11-13. Review status: criteria provided, single submitter. Criteria: Ambry Variant Classification Scheme 2023. Collection method: clinical testing. Allele origin: germline.
Comment: The c.1556delC variant, located in coding exon 10 of the FLNC gene, results from a deletion of one nucleotide at nucleotide position 1556, causing a translational frameshift with a predicted alternate stop codon (p.T519Kfs*5). This variant is considered to be rare based on population cohorts in the Genome Aggregation Database (gnomAD). This alteration is expected to result in loss of function by premature protein truncation or nonsense-mediated mRNA decay. Based on the supporting evidence, this variant is expected to be causative of FLNC-related dilated cardiomyopathy; however, its clinical significance for FLNC-related hypertrophy/restrictive cardiomyopathy and/or skeletal myopathy is unclear.

NM_001458.5(FLNC):c.1556del (p.Thr519fs)

Gene: FLNC (filamin C; plus strand). Cytogenetic location: 7q32.1.
Variant type: Deletion.
Coding change: c.1556del on transcript NM_001458.5 (MANE Select); coding-DNA position 1556, one base deleted (C; older notation c.1556delC).
Protein change: p.Thr519fs; shifts the reading frame from threonine 519.
Molecular consequence: frameshift variant.
Genome position (GRCh38, 1-based): chr7:128,840,554, C deleted. VCF-style (leftmost placement, unchanged base first): chr7-128840553-AC-A. GRCh37 (hg19) VCF-style: chr7-128480607-AC-A.
Other names: c.1556del, p.Thr519fs (NM_001127487.2); short protein forms T519fs.
Identifiers: ClinVar variation 3221701 (VCV003221701.1), dbSNP rs2536626193, ClinGen allele CA2825001524.